The following is an entry in ClinVar:

ClinVar aggregate classification (germline): Benign/Likely benign. Review status: criteria provided, multiple submitters, no conflicts (2 of 4 stars). 5 submissions from 5 submitters: Benign (1); Likely benign (4). Last evaluated 2025-09-02.

Conditions:
Hereditary cancer-predisposing syndrome. Also called: Neoplastic Syndromes, Hereditary; Hereditary neoplastic syndrome; Tumor predisposition; Hereditary Cancer Syndrome. Identifiers: Orphanet 140162, MedGen C0027672, MeSH D009386, MONDO:0015356.
Tuberous sclerosis syndrome (TSC). Also called: Tuberous sclerosis; Tuberous Sclerosis Complex. Identifiers: Orphanet 805, MedGen C0041341, MONDO:0001734.
Tuberous sclerosis 2 (TSC2). Identifiers: Orphanet 805, MedGen C1860707, MONDO:0013199, OMIM 613254.

gnomAD v4.1: 1 of 1,584,232 alleles (0.000063%); highest among the groups gnomAD compares: Admixed American, 0.0018%; no homozygotes.

Submissions (5):

Labcorp Genetics (formerly Invitae), Labcorp
Classification: Likely benign for Tuberous sclerosis 2. Last evaluated: 2025-09-02. Review status: criteria provided, single submitter. Criteria: Invitae Variant Classification Sherloc (09022015). Collection method: clinical testing. Allele origin: germline.

Myriad Genetics, Inc.
Classification: Benign for Tuberous sclerosis 2. Last evaluated: 2025-05-12. Review status: criteria provided, single submitter. Criteria: Myriad Autosomal Dominant, Autosomal Recessive and X-Linked Classification Criteria (2023). Collection method: clinical testing. Allele origin: unknown.
Comment: This variant is considered benign. This variant is a silent/synonymous amino acid change and it is not expected to impact splicing.

All of Us Research Program, National Institutes of Health
Classification: Likely benign for Tuberous sclerosis syndrome. Last evaluated: 2023-08-15. Review status: criteria provided, single submitter. Criteria: ACMG Guidelines, 2015. Collection method: clinical testing. Allele origin: germline. Inheritance: Autosomal dominant inheritance. Observed: 1 variant allele, 1 heterozygote.
Comment: This study involves interpretation of variants in research participants for the purpose of population health screening. Participant phenotype was not available at the time of variant classification. Additional details can be found in publication PMID: 35346344, PMCID: PMC8962531

Ambry Genetics
Classification: Likely benign for Hereditary cancer-predisposing syndrome. Last evaluated: 2017-06-23. Review status: criteria provided, single submitter. Criteria: Ambry Variant Classification Scheme 2023. Collection method: clinical testing. Allele origin: germline.

GeneDx
Classification: Likely benign. Last evaluated: 2016-04-08. Review status: criteria provided, single submitter. Criteria: GeneDx Variant Classification (06012015). Collection method: clinical testing. Allele origin: germline. Affected: yes.
Comment: This variant is considered likely benign or benign based on one or more of the following criteria: it is a conservative change, it occurs at a poorly conserved position in the protein, it is predicted to be benign by multiple in silico algorithms, and/or has population frequency not consistent with disease.

NM_000548.5(TSC2):c.861G>A (p.Glu287=)

Gene: TSC2 (TSC complex subunit 2; plus strand). Cytogenetic location: 16p13.3.
Variant type: single nucleotide variant.
Coding change: c.861G>A on transcript NM_000548.5 (MANE Select); coding-DNA position 861, G replaced by A.
Protein change: p.Glu287=; no amino-acid change (glutamic acid 287 retained).
Molecular consequence: synonymous variant.
Genome position (GRCh38, 1-based): chr16:2,058,759, G>A. VCF-style: chr16-2058759-G-A. GRCh37 (hg19) VCF-style: chr16-2108760-G-A.
Other names: c.861G>A, p.Glu287= (NM_001077183.3, NM_001114382.3, NM_001363528.2 and 3 more transcripts); c.750G>A, p.Glu250= (NM_001318827.2); c.714G>A, p.Glu238= (NM_001318829.2); c.261G>A, p.Glu87= (NM_001318831.2); c.894G>A, p.Glu298= (NM_001318832.2).
Identifiers: ClinVar variation 385281 (VCV000385281.10), dbSNP rs192567788, ClinGen allele CA056590.
Genomic context (GRCh38, chr16:2,058,759, plus strand): 5'-TGGGACAGGGCCCTGCTCACATTCCGTCTCTCTGGGGAACACTTTTAGAGCCTACATGGA[G>A]GACGCGCCCCTGCTGAGAGGAGCCGTGTTTTTTGTGGGCATGGCTCTCTGGGGAGCCCAC-3'
Protein context (NP_000539.2, residues 277-297): CHLMEDRAYM[Glu287=]DAPLLRGAVF